The following is an entry in ClinVar:

ClinVar aggregate classification (germline): Conflicting classifications of pathogenicity. Review status: criteria provided, conflicting classifications (1 of 4 stars). 13 submissions from 13 submitters: Pathogenic (2); Likely pathogenic (7); Uncertain significance (2). 2 of the submissions do not count toward it. Last evaluated 2026-03-24.

Conditions:
Congenital myasthenic syndrome (CMS). Also called: Congenital Myasthenic Syndromes. Identifiers: Orphanet 590, MedGen C0751882, MeSH D020294, MONDO:0018940.
Congenital myasthenic syndrome 12 (CMS12). Also called: MYASTHENIC SYNDROME, CONGENITAL, WITH TUBULAR AGGREGATES 1; Myasthenia, congenital, 12, with tubular aggregates. Identifiers: Orphanet 353327, Orphanet 590, MedGen C3552335, MONDO:0012518, OMIM 610542.

Allele frequency attached by ClinVar (database versions not stated): 1000 Genomes Project 30x 0.00031; 1000 Genomes Project 0.00040; ESP Exome Variant Server 0.00161; TOPMed 0.00170.
gnomAD v4.1: 2,976 of 1,511,390 alleles (0.2%); highest among the groups gnomAD compares: Non-Finnish European, 0.25%; 5 homozygotes.

Submissions (13):

Women's Health and Genetics/Laboratory Corporation of America, LabCorp
Classification: Likely pathogenic for Congenital myasthenic syndrome. Last evaluated: 2026-03-24. Review status: criteria provided, single submitter. Criteria: LabCorp Variant Classification Summary - May 2015. Collection method: clinical testing. Allele origin: germline.
Comment: Variant summary: GFPT1 c.*22C>A is located in the untranslated mRNA region downstream of the termination codon. The variant allele was found at a frequency of 0.0013 in 249944 control chromosomes, predominantly at a frequency of 0.0024 within the Non-Finnish European subpopulation in the gnomAD database. The observed variant frequency within Non-Finnish European control individuals in the gnomAD database exceeds the estimated maximal expected allele frequency for disease-causing variants in GFPT1. However, c.*22C>A has been reported in the literature in numerous compound heterozygous individuals, who were affected with Congenital Myasthenic Syndrome, including multiple cases where the variant segregated with disease (e.g. Senderek_2011, Selcen_2013, Maselli_2014, Natera-de Benito_2017, Bauche_2017). These data indicate that the variant is likely to be associated with disease, although the pathogenicity of the variant might be dependent on the variant observed in trans. At least two publications report that GFPT1 protein, but not mRNA levels, are reduced in muscle cells from patients harboring the c.*22C>A variant compared to healthy control individuals (e.g. Senderek_2011, Dusl_2015), and a similar relationship was observed in myoblasts expressing the variant compared to wild-type (Dusl_2015). One of these publications also provided evidence to support that the variant may allow for binding of a microRNA that is expressed in myoblasts, myotubes and skeletal muscle, which may cause the reduction in GFPT1 protein expression by repressing translation (Dusl_2015). The following publications have been ascertained in the context of this evaluation (PMID: 25765662, 23488891, 23794683, 21310273, 29054425, 28712002). ClinVar contains an entry for this variant (Variation ID: 208585). Based on the evidence outlined above, the variant was classified as likely pathogenic.

Labcorp Genetics (formerly Invitae), Labcorp
Classification: Pathogenic for Congenital myasthenic syndrome 12. Last evaluated: 2026-01-28. Review status: criteria provided, single submitter. Criteria: Invitae Variant Classification Sherloc (09022015). Collection method: clinical testing. Allele origin: germline.
Comment: This variant occurs in a non-coding region of the GFPT1 gene. It does not change the encoded amino acid sequence of the GFPT1 protein. This variant is present in population databases (rs199678034, gnomAD 0.2%), and has an allele count higher than expected for a pathogenic variant. This variant has been observed in individual(s) with congenital myasthenic syndrome (PMID: 21310273, 23488891, 23794683). In at least one individual the data is consistent with being in trans (on the opposite chromosome) from a pathogenic variant. It has also been observed to segregate with disease in related individuals. ClinVar contains an entry for this variant (Variation ID: 208585). Algorithms developed to predict the effect of variants on gene product structure and function are not available or were not evaluated for this variant. Experimental studies have shown that this variant affects GFPT1 function (PMID: 21310273, 25765662). Algorithms developed to predict the effect of sequence changes on RNA splicing suggest that this variant may create or strengthen a splice site. For these reasons, this variant has been classified as Pathogenic.

GeneDx
Classification: Likely pathogenic. Last evaluated: 2025-09-26. Review status: criteria provided, single submitter. Criteria: GeneDx Variant Classification Process June 2021. Collection method: clinical testing. Allele origin: germline. Affected: yes.
Comment: Published functional studies suggest a damaging effect with the formation of a microRNA binding site resulting in reduced protein expression (PMID: 25765662); This variant is associated with the following publications: (PMID: 21310273, 26501342, 23488891, 27472506, 21975507, 26721333, 28754144, 29054425, 31047772, 23794683, 34978387, 36188410, 25765662, 28712002, 38235042, 37721175, 40442802)

CeGaT Center for Human Genetics Tuebingen
Classification: Pathogenic. Last evaluated: 2025-07-01. Review status: criteria provided, single submitter. Criteria: CeGaT Center For Human Genetics Tuebingen Variant Classification Criteria Version 2. Collection method: clinical testing. Allele origin: germline. Affected: yes. Observed: 2 variant alleles.
Comment: GFPT1: PM3:Strong, PP1:Strong, PM2:Supporting, PS3:Supporting

First Genomix Gene Laboratory, Genetic Diagnostics Department
Classification: Likely pathogenic for Congenital myasthenic syndrome 12. Last evaluated: 2025-06-04. Review status: criteria provided, single submitter. Criteria: ACMG Guidelines, 2015. Collection method: clinical testing. Allele origin: germline. Inheritance: Autosomal recessive inheritance. Affected: no.

Revvity Omics, Revvity
Classification: Likely pathogenic for Congenital myasthenic syndrome 12. Last evaluated: 2025-06-04. Review status: criteria provided, single submitter. Criteria: ACMG Guidelines, 2015. Collection method: clinical testing. Allele origin: germline.

Fulgent Genetics
Classification: Likely pathogenic for Congenital myasthenic syndrome 12. Last evaluated: 2024-03-11. Review status: criteria provided, single submitter. Criteria: ACMG Guidelines, 2015. Collection method: clinical testing. Allele origin: germline.

Department of Pathology and Laboratory Medicine, Sinai Health System
Classification: Likely pathogenic for congenital myasthenic syndrome 12. Last evaluated: 2023-08-29. Review status: criteria provided, single submitter. Criteria: ACMG Guidelines, 2015. Collection method: research. Allele origin: germline.

MGZ Medical Genetics Center
Classification: Likely pathogenic for Congenital myasthenic syndrome 12. Last evaluated: 2022-02-25. Review status: criteria provided, single submitter. Criteria: ACMG Guidelines, 2015. Collection method: clinical testing. Allele origin: germline. Affected: yes. Observed: 1 variant allele.
Comment: ACMG criteria applied: PS3, PM3, PM2_SUP, PP1

Laboratory for Molecular Medicine, Mass General Brigham Personalized Medicine
Classification: Uncertain significance. Last evaluated: 2019-02-27. Review status: criteria provided, single submitter. Criteria: LMM Criteria. Collection method: clinical testing. Allele origin: germline. Observed: 2 variant alleles.
Comment: Variant classified as Uncertain Significance - Favor Pathogenic. The c.*22C>A variant in GFPT1 has been reported in 8 individuals with features of limb-girdle myasthenic syndrome (Senderek 2011, Selcen 2013, Bauche 2017, Natera-de Benito 2017). All of these individuals carried second variants in the GFPT1 gene; however, in only 3 of these probands were the variants confirmed to be in trans and have sufficient evidence to be classified as likely pathogenic or pathogenic(Senderek 2011, Selcen 2013). Furthermore, the variant segregated with disease in 7 affected individuals from 5 families (Senderek 2011, Selcen 2013). It has also been identified in 0.23% (297/128550) of European chromosomes by gnomAD, and has been reported with conflicting interpretations in ClinVar (Variant ID 208585). This variant is located in the 3' untranslated region. In vitro functional studies provide some evidence that the c.*22C>A variant may lead to reduced GFPT1 protein levels by influencing miRNA binding and thereby protein translation (Senderek 2011, Muller 2012, Dusl 2015). However, the assay may not accurately represent the in vivo environment and the reduction in protein levels may not be sufficient for disease. While the biallelic occurrences, segregation in affected individuals, and in vitro functional studies support a disease-causing role, given the relatively high frequency of this variant in the general population, there is some concern that the biallelic occurrences may have been seen by chance (therefore the PM3 evidence was downgraded) or that the variant may be in linkage disequilibrium with another pathogenic variant in the families described (therefore PP1 evidence was downgraded). In summary, while there is some suspicion for a pathogenic role, the clinical significance of the c.*22C>A variant is uncertain. ACMG/AMP guidelines applied: BS1_Supporting, PM3_Supporting, PP1_Moderate, PS3_Supporting.

Center for Pediatric Genomic Medicine, Children's Mercy Hospital and Clinics
Classification: Uncertain significance. Last evaluated: 2017-03-31. Review status: criteria provided, single submitter. Criteria: ACMG Guidelines, 2015. Collection method: clinical testing. Allele origin: germline.

Genome Diagnostics Laboratory, Amsterdam University Medical Center
Classification: Likely pathogenic. Review status: no assertion criteria provided. Collection method: clinical testing. Allele origin: germline. Affected: yes. Study: VKGL Data-share Consensus. Not counted in ClinVar's aggregate classification.

Laboratory of Diagnostic Genome Analysis, Leiden University Medical Center (LUMC)
Classification: Likely pathogenic. Review status: no assertion criteria provided. Collection method: clinical testing. Allele origin: germline. Affected: yes. Study: VKGL Data-share Consensus. Not counted in ClinVar's aggregate classification.

Literature cited by the submitters: PubMed 29054425 (cited by Women's Health and Genetics/Laboratory Corporation of America, LabCorp and Laboratory for Molecular Medicine, Mass General Brigham Personalized Medicine); PubMed 23488891 (cited by 3 submitters); PubMed 25765662 (cited by 3 submitters); PubMed 23794683 (cited by 3 submitters); PubMed 21310273 (cited by 3 submitters); PubMed 28712002 (cited by Women's Health and Genetics/Laboratory Corporation of America, LabCorp and Laboratory for Molecular Medicine, Mass General Brigham Personalized Medicine).

NM_001244710.2(GFPT1):c.*22C>A

Gene: GFPT1 (glutamine--fructose-6-phosphate transaminase 1; minus strand). Cytogenetic location: 2p13.3.
Variant type: single nucleotide variant.
Coding change: c.*22C>A on transcript NM_001244710.2 (MANE Select); 22 bases downstream of the stop codon, C replaced by A.
Molecular consequence: 3 prime UTR variant.
Genome position (GRCh38, 1-based): chr2:69,326,167, G>T on the plus strand (C>A on the coding strand, the complement: GFPT1 is on the minus strand). VCF-style: chr2-69326167-G-T. GRCh37 (hg19) VCF-style: chr2-69553299-G-T.
Other names: c.*22C>A (NM_002056.4).
Identifiers: ClinVar variation 208585 (VCV000208585.54), dbSNP rs199678034, ClinGen allele CA204561.